The following is an entry in ClinVar:

NM_020931.4(KIAA1586):c.610C>T (p.Arg204Ter)

Gene: KIAA1586 (KIAA1586; plus strand). Cytogenetic location: 6p12.1.
Variant type: single nucleotide variant.
Coding change: c.610C>T on transcript NM_020931.4 (MANE Select); coding-DNA position 610, C replaced by T.
Protein change: p.Arg204Ter; replaces arginine 204 with a stop codon.
Molecular consequence: nonsense.
Genome position (GRCh38, 1-based): chr6:57,053,109, C>T. VCF-style: chr6-57053109-C-T. GRCh37 (hg19) VCF-style: chr6-56917907-C-T.
Other names: c.529C>T, p.Arg177Ter (NM_001286274.2); c.409C>T, p.Arg137Ter (NM_001286275.2, NM_001286276.2); short protein forms R137*, R177*, R204*.
Identifiers: ClinVar variation 3037814 (VCV003037814.2), dbSNP rs61748913, ClinGen allele CA3872472.

ClinVar aggregate classification (germline): Likely benign (0 of 4 stars; one submission).

Conditions:
KIAA1586-related disorder. Also called: KIAA1586-related condition.

Allele frequency attached by ClinVar (database versions not stated): gnomAD exomes 0.00064; ExAC 0.00196; 1000 Genomes Project 30x 0.00500; 1000 Genomes Project 0.00519; gnomAD 0.00633; ESP Exome Variant Server 0.00723; TOPMed 0.00725.
gnomAD v4.1: 1,945 of 1,605,896 alleles (0.12%); highest among the groups gnomAD compares: African/African-American, 2.3%; 21 homozygotes.

Submission:

PreventionGenetics, part of Exact Sciences
Classification: Likely benign for KIAA1586-related condition. Last evaluated: 2021-03-15. Review status: no assertion criteria provided. Collection method: clinical testing. Allele origin: germline.
Comment: This variant is classified as likely benign based on ACMG/AMP sequence variant interpretation guidelines (Richards et al. 2015 PMID: 25741868, with internal and published modifications).